The following is an entry in ClinVar:

NM_001039141.3(TRIOBP):c.3215G>A (p.Arg1072Gln)

Gene: TRIOBP (TRIO and F-actin binding protein; plus strand). Cytogenetic location: 22q13.1.
Variant type: single nucleotide variant.
Coding change: c.3215G>A on transcript NM_001039141.3 (MANE Select); coding-DNA position 3215, G replaced by A.
Protein change: p.Arg1072Gln; replaces arginine 1072 with glutamine.
Molecular consequence: missense variant.
Genome position (GRCh38, 1-based): chr22:37,725,771, G>A. VCF-style: chr22-37725771-G-A. GRCh37 (hg19) VCF-style: chr22-38121778-G-A.
Other names: c.3215G>A (NM_001039141.2); short protein forms R1072Q.
Identifiers: ClinVar variation 3768970 (VCV003768970.2).

ClinVar aggregate classification (germline): Uncertain significance. Review status: criteria provided, multiple submitters, no conflicts (2 of 4 stars). 2 submissions from 2 submitters: Uncertain significance (2). Last evaluated 2025-02-24.

gnomAD v4.1: 6 of 1,554,894 alleles (0.00039%); highest among the groups gnomAD compares: Middle Eastern, 0.017%; no homozygotes.

Submissions (2):

GeneDx
Classification: Uncertain significance. Last evaluated: 2025-02-24. Review status: criteria provided, single submitter. Criteria: GeneDx Variant Classification Process June 2021. Collection method: clinical testing. Allele origin: germline. Affected: yes.
Comment: Not observed at significant frequency in large population cohorts (gnomAD); In silico analysis indicates that this missense variant does not alter protein structure/function; Has not been previously published as pathogenic or benign to our knowledge

Women's Health and Genetics/Laboratory Corporation of America, LabCorp
Classification: Uncertain significance. Last evaluated: 2025-02-19. Review status: criteria provided, single submitter. Criteria: LabCorp Variant Classification Summary - May 2015. Collection method: clinical testing. Allele origin: germline.
Comment: Variant summary: TRIOBP c.3215G>A (p.Arg1072Gln) results in a conservative amino acid change in the encoded protein sequence. Five of five in-silico tools predict a benign effect of the variant on protein function. The frequency data for this variant in gnomAD is considered unreliable, as metrics indicate poor data quality at this position. To our knowledge, no occurrence of c.3215G>A in individuals affected with Autosomal Recessive Nonsyndromic Hearing Loss 28 and no experimental evidence demonstrating its impact on protein function have been reported. No submitters have cited clinical-significance assessments for this variant to ClinVar. Based on the evidence outlined above, the variant was classified as uncertain significance.